The following is an entry in ClinVar:

ClinVar aggregate classification (germline): Likely pathogenic. Review status: criteria provided, multiple submitters, no conflicts (2 of 4 stars). 2 submissions from 2 submitters: Likely pathogenic (2). Last evaluated 2024-05-17.

Conditions:
ATAD3A-related disorders.

Allele frequency attached by ClinVar (database versions not stated): ExAC 0.00002; gnomAD 0.00002.
gnomAD v4.1: 26 of 1,613,714 alleles (0.0016%); highest among the groups gnomAD compares: Admixed American, 0.0033%; no homozygotes.

Submissions (2):

Blueprint Genetics
Classification: Likely pathogenic for ATAD3A-related disorders. Last evaluated: 2024-05-17. Review status: criteria provided, single submitter. Criteria: ACMG Guidelines, 2015. Collection method: clinical testing. Allele origin: germline. Affected: yes. Observed: 1 variant allele.

GeneDx
Classification: Likely pathogenic. Last evaluated: 2022-07-12. Review status: criteria provided, single submitter. Criteria: GeneDx Variant Classification Process June 2021. Collection method: clinical testing. Allele origin: germline. Affected: yes.
Comment: Canonical splice site variant predicted to result in a null allele in a gene for which loss of function is a known mechanism of disease; This variant is associated with the following publications: (PMID: 31130284)

NM_001170535.3(ATAD3A):c.1266+1G>A

Gene: ATAD3A (ATPase family AAA domain containing 3A; plus strand). Cytogenetic location: 1p36.33.
Variant type: single nucleotide variant.
Coding change: c.1266+1G>A on transcript NM_001170535.3 (MANE Select); the canonical splice donor site of the intron after coding-DNA position 1266, G replaced by A.
Molecular consequence: splice donor variant.
Genome position (GRCh38, 1-based): chr1:1,525,292, G>A. VCF-style: chr1-1525292-G-A. GRCh37 (hg19) VCF-style: chr1-1460672-G-A.
Other names: c.1410+1G>A (NM_018188.5); c.1029+1G>A (NM_001170536.3).
Identifiers: ClinVar variation 2136073 (VCV002136073.2), dbSNP rs757205195, ClinGen allele CA526294.
Genomic context (GRCh38, chr1:1,525,292, plus strand): 5'-GTTCACAGCCTCCTGCTCTTTGTGGATGAAGCGGACGCCTTCCTTCGGAAGCGAGCCACC[G>A]TGAGTGTCACTAAGCCTCTGGCCACAATGGGGTGGTGGGGTGGGCACAGCCGTCTGCCTG-3'